The following is an entry in ClinVar:

ClinVar aggregate classification (germline): Uncertain significance (1 of 4 stars; one submission).

Allele frequency attached by ClinVar (database versions not stated): gnomAD exomes below 0.00001; ExAC 0.00001; TOPMed 0.00002; gnomAD 0.00003; ESP Exome Variant Server 0.00008.
gnomAD v4.1: 6 of 1,614,068 alleles (0.00037%); highest among the groups gnomAD compares: African/African-American, 0.004%; no homozygotes.

Submission:

Labcorp Genetics (formerly Invitae), Labcorp
Classification: Uncertain significance. Last evaluated: 2022-04-21. Review status: criteria provided, single submitter. Criteria: Invitae Variant Classification Sherloc (09022015). Collection method: clinical testing. Allele origin: germline.
Comment: In summary, the available evidence is currently insufficient to determine the role of this variant in disease. Therefore, it has been classified as a Variant of Uncertain Significance. Algorithms developed to predict the effect of missense changes on protein structure and function (SIFT, PolyPhen-2, Align-GVGD) all suggest that this variant is likely to be tolerated. This variant has not been reported in the literature in individuals affected with HPS5-related conditions. This variant is present in population databases (rs375320685, gnomAD 0.004%). This sequence change replaces histidine, which is basic and polar, with proline, which is neutral and non-polar, at codon 885 of the HPS5 protein (p.His885Pro).

NM_181507.2(HPS5):c.2654A>C (p.His885Pro)

Gene: HPS5 (HPS5 biogenesis of lysosomal organelles complex 2 subunit 2; minus strand). Cytogenetic location: 11p15.1.
Variant type: single nucleotide variant.
Coding change: c.2654A>C on transcript NM_181507.2 (MANE Select); coding-DNA position 2654, A replaced by C.
Protein change: p.His885Pro; replaces histidine 885 with proline.
Molecular consequence: missense variant.
Genome position (GRCh38, 1-based): chr11:18,287,598, T>G on the plus strand (A>C on the coding strand, the complement: HPS5 is on the minus strand). VCF-style: chr11-18287598-T-G. GRCh37 (hg19) VCF-style: chr11-18309145-T-G.
Other names: c.2312A>C, p.His771Pro (NM_007216.4, NM_181508.2); short protein forms H771P, H885P.
Identifiers: ClinVar variation 1965430 (VCV001965430.5), dbSNP rs375320685, ClinGen allele CA5909796.